The following is an entry in ClinVar:

NM_018834.6(MATR3):c.620G>A (p.Arg207His)

Gene: MATR3 (matrin 3; plus strand). Cytogenetic location: 5q31.2.
Variant type: single nucleotide variant.
Coding change: c.620G>A on transcript NM_018834.6 (MANE Select); coding-DNA position 620, G replaced by A.
Protein change: p.Arg207His; replaces arginine 207 with histidine.
Molecular consequence: missense variant. On other transcripts: intron variant (2).
Genome position (GRCh38, 1-based): chr5:139,308,035, G>A. VCF-style: chr5-139308035-G-A. GRCh37 (hg19) VCF-style: chr5-138643724-G-A.
Other names: c.620G>A, p.Arg207His (NM_001194954.2, NM_001194955.2, NM_199189.3); c.-102-6640G>A (NM_001282278.2); c.49-6640G>A (NM_001194956.2); short protein forms R207H.
Identifiers: ClinVar variation 1385500 (VCV001385500.6), dbSNP rs749335257, ClinGen allele CA3432923.

ClinVar aggregate classification (germline): Uncertain significance (1 of 4 stars; one submission).

Conditions:
Amyotrophic lateral sclerosis type 21. Also called: VOCAL CORD AND PHARYNGEAL DYSFUNCTION WITH DISTAL MYOPATHY; MYOPATHY, DISTAL, 2. Identifiers: Orphanet 600, Orphanet 803, MedGen C3807521, MONDO:0011632, OMIM 606070.

Allele frequency attached by ClinVar (database versions not stated): gnomAD 0.00001; ExAC 0.00002; gnomAD exomes 0.00002.
gnomAD v4.1: 12 of 1,613,994 alleles (0.00074%); highest among the groups gnomAD compares: South Asian, 0.0022%; no homozygotes.

Submission:

Labcorp Genetics (formerly Invitae), Labcorp
Classification: Uncertain significance for Amyotrophic lateral sclerosis type 21. Last evaluated: 2024-10-15. Review status: criteria provided, single submitter. Criteria: Invitae Variant Classification Sherloc (09022015). Collection method: clinical testing. Allele origin: germline.
Comment: This sequence change replaces arginine, which is basic and polar, with histidine, which is basic and polar, at codon 207 of the MATR3 protein (p.Arg207His). This variant is present in population databases (rs749335257, gnomAD 0.006%). This variant has not been reported in the literature in individuals affected with MATR3-related conditions. ClinVar contains an entry for this variant (Variation ID: 1385500). Invitae Evidence Modeling of protein sequence and biophysical properties (such as structural, functional, and spatial information, amino acid conservation, physicochemical variation, residue mobility, and thermodynamic stability) indicates that this missense variant is not expected to disrupt MATR3 protein function with a negative predictive value of 80%. In summary, the available evidence is currently insufficient to determine the role of this variant in disease. Therefore, it has been classified as a Variant of Uncertain Significance.